The following is an entry in ClinVar:

ClinVar aggregate classification (germline): Uncertain significance (1 of 4 stars; one submission).

Submission:

GeneDx
Classification: Uncertain significance. Last evaluated: 2023-04-25. Review status: criteria provided, single submitter. Criteria: GeneDx Variant Classification Process June 2021. Collection method: clinical testing. Allele origin: germline. Affected: yes.
Comment: Not observed at significant frequency in large population cohorts (gnomAD); In silico analysis supports that this missense variant does not alter protein structure/function; Has not been previously published as pathogenic or benign to our knowledge

NM_000240.4(MAOA):c.738C>G (p.His246Gln)

Gene: MAOA (monoamine oxidase A; plus strand). Cytogenetic location: Xp11.3.
Variant type: single nucleotide variant.
Coding change: c.738C>G on transcript NM_000240.4 (MANE Select); coding-DNA position 738, C replaced by G.
Protein change: p.His246Gln; replaces histidine 246 with glutamine.
Molecular consequence: missense variant.
Genome position (GRCh38, 1-based): chrX:43,731,333, C>G. VCF-style: chrX-43731333-C-G. GRCh37 (hg19) VCF-style: chrX-43590580-C-G.
Other names: c.339C>G, p.His113Gln (NM_001270458.2); short protein forms H113Q, H246Q.
Identifiers: ClinVar variation 2500678 (VCV002500678.1), dbSNP rs1326709993, ClinGen allele CA413006757.